The following is an entry in ClinVar:

ClinVar aggregate classification (germline): Uncertain significance (1 of 4 stars; one submission).

Submission:

CeGaT Center for Human Genetics Tuebingen
Classification: Uncertain significance. Last evaluated: 2024-07-01. Review status: criteria provided, single submitter. Criteria: CeGaT Center For Human Genetics Tuebingen Variant Classification Criteria Version 2. Collection method: clinical testing. Allele origin: germline. Affected: yes. Observed: 1 variant allele.
Comment: DPP6: PM2, BP4

NM_130797.4(DPP6):c.2036G>A (p.Arg679Gln)

Gene: DPP6 (dipeptidyl peptidase like 6; plus strand). Cytogenetic location: 7q36.2.
Variant type: single nucleotide variant.
Coding change: c.2036G>A on transcript NM_130797.4 (MANE Select); coding-DNA position 2036, G replaced by A.
Protein change: p.Arg679Gln; replaces arginine 679 with glutamine.
Molecular consequence: missense variant. On other transcripts: non-coding transcript variant (2).
Genome position (GRCh38, 1-based): chr7:154,876,058, G>A. VCF-style: chr7-154876058-G-A. GRCh37 (hg19) VCF-style: chr7-154667768-G-A.
Other names: c.1844G>A, p.Arg615Gln (NM_001039350.3); c.1715G>A, p.Arg572Gln (NM_001290252.2); c.1853G>A, p.Arg618Gln (NM_001364497.2, NM_001364498.2, NM_001364499.2 and 1 more transcripts); c.1850G>A, p.Arg617Gln (NM_001936.5); short protein forms R572Q, R615Q, R617Q, R618Q, R679Q.
Identifiers: ClinVar variation 3257211 (VCV003257211.17).